The following is an entry in ClinVar:

ClinVar aggregate classification (germline): Likely benign (1 of 4 stars; one submission).

Conditions:
Pheochromocytoma/paraganglioma syndrome 5. Also called: Paragangliomas 5; SDHA-Related Hereditary Paraganglioma-Pheochromocytoma Syndrome. Identifiers: Orphanet 29072, MedGen C3279992, MONDO:0013602, OMIM 614165.

Submission:

Myriad Genetics, Inc.
Classification: Likely benign for Pheochromocytoma/paraganglioma syndrome 5. Last evaluated: 2025-03-03. Review status: criteria provided, single submitter. Criteria: Myriad Autosomal Dominant, Autosomal Recessive and X-Linked Classification Criteria (2023). Collection method: clinical testing. Allele origin: unknown.
Comment: This variant is considered likely benign. This variant is intronic and is not expected to impact mRNA splicing.

NM_004168.4(SDHA):c.622-11dup

Gene: SDHA (succinate dehydrogenase complex flavoprotein subunit A; plus strand). Cytogenetic location: 5p15.33.
Variant type: Duplication.
Coding change: c.622-11dup on transcript NM_004168.4 (MANE Select); 11 bases into the intron before coding-DNA position 622, one base duplicated (C; older notation c.622-11dupC).
Molecular consequence: intron variant.
Genome position (GRCh38, 1-based): chr5:228,174, C duplicated; the last of 2 consecutive C bases (chr5:228,173-228,174); duplicating either gives the same sequence. VCF-style (leftmost placement, unchanged base first): chr5-228172-T-TC. GRCh37 (hg19) VCF-style: chr5-228287-T-TC.
Other names: c.622-11dup (NM_001330758.2); c.478-11dup (NM_001294332.2).
Identifiers: ClinVar variation 3904530 (VCV003904530.1).
Genomic context (GRCh38, chr5:228,172, plus strand): 5'-ATGAGCAGATACCACCTTAAAACCTTAAAGTTTGGCTTAACACTTCTTGCCCTTTTTTTT[T>TC]CCTTTCTTTTAGTCTCTGCGATATGATACCAGCTATTTTGTGGAGTATTTTGCCTTGGAT-3'